The following is an entry in ClinVar:

ClinVar aggregate classification (germline): Likely pathogenic (1 of 4 stars; one submission).

Submission:

Labcorp Genetics (formerly Invitae), Labcorp
Classification: Likely pathogenic. Last evaluated: 2025-05-30. Review status: criteria provided, single submitter. Criteria: Invitae Variant Classification Sherloc (09022015). Collection method: clinical testing. Allele origin: germline.
Comment: This sequence change replaces glycine, which is neutral and non-polar, with cysteine, which is neutral and slightly polar, at codon 624 of the COL4A5 protein (p.Gly624Cys). This variant is not present in population databases (gnomAD no frequency). This missense change has been observed in individual(s) with clinical features of Alport syndrome (PMID: 35020912). Invitae Evidence Modeling of protein sequence and biophysical properties (such as structural, functional, and spatial information, amino acid conservation, physicochemical variation, residue mobility, and thermodynamic stability) indicates that this missense variant is expected to disrupt COL4A5 protein function with a positive predictive value of 95%. Algorithms developed to predict the effect of sequence changes on RNA splicing suggest that this variant may create or strengthen a splice site. This variant disrupts the p.Gly624 amino acid residue in COL4A5. Other variant(s) that disrupt this residue have been determined to be pathogenic (PMID: 17396119, 21332469, 21688191, 24470729, 26809805, 26934356, 29854973, 33309955). This suggests that this residue is clinically significant, and that variants that disrupt this residue are likely to be disease-causing. In summary, the currently available evidence indicates that the variant is pathogenic, but additional data are needed to prove that conclusively. Therefore, this variant has been classified as Likely Pathogenic.

Literature cited by the submitters: PubMed 35020912; PubMed 17396119; PubMed 21332469; PubMed 21688191; PubMed 24470729; PubMed 26809805; PubMed 26934356; PubMed 29854973; PubMed 33309955.

NM_033380.3(COL4A5):c.1870G>T (p.Gly624Cys)

Gene: COL4A5 (collagen type IV alpha 5 chain; plus strand). Cytogenetic location: Xq22.3.
Variant type: single nucleotide variant.
Coding change: c.1870G>T on transcript NM_033380.3 (MANE Select); coding-DNA position 1870, G replaced by T.
Protein change: p.Gly624Cys; replaces glycine 624 with cysteine.
Molecular consequence: missense variant.
Genome position (GRCh38, 1-based): chrX:108,598,792, G>T. VCF-style: chrX-108598792-G-T. GRCh37 (hg19) VCF-style: chrX-107842022-G-T.
Other names: c.1870G>T, p.Gly624Cys (NM_000495.5); short protein forms G624C.
Identifiers: ClinVar variation 4802182 (VCV004802182.1).